The following is an entry in ClinVar:

NM_004974.4(KCNA2):c.881G>A (p.Arg294His)

Gene: KCNA2 (potassium voltage-gated channel subfamily A member 2; minus strand). Cytogenetic location: 1p13.3.
Variant type: single nucleotide variant.
Coding change: c.881G>A on transcript NM_004974.4 (MANE Select); coding-DNA position 881, G replaced by A.
Protein change: p.Arg294His; replaces arginine 294 with histidine.
Molecular consequence: missense variant.
Genome position (GRCh38, 1-based): chr1:110,603,902, C>T on the plus strand (G>A on the coding strand, the complement: KCNA2 is on the minus strand). VCF-style: chr1-110603902-C-T. GRCh37 (hg19) VCF-style: chr1-111146524-C-T.
Other names: p.R294H; p.Arg294His; c.881G>A, p.Arg294His (NM_001204269.2); c.881G>A (NM_001204269.1); short protein forms R294H.
Identifiers: ClinVar variation 280584 (VCV000280584.84), dbSNP rs886041761, ClinGen allele CA10602728.
Genomic context (GRCh38, chr1:110,603,902, plus strand): 5'-AGACCTTTGGAGTGTCTGGACAACTTGAAAATCCTAAAGACTCTTACCAACCGGATGACA[C>T]GGAGGATGGCCAGTGACATGGCCTGCTGGCCTTGCTGAGCGTCCTCTGGCTTCTCAGCCA-3'
Protein context (NP_004965.1, residues 284-304): GQQAMSLAIL[Arg294His]VIRLVRVFRI

ClinVar aggregate classification (germline): Pathogenic/Likely pathogenic. Review status: criteria provided, multiple submitters, no conflicts (2 of 4 stars). 21 submissions from 21 submitters: Pathogenic (17); Likely pathogenic (1). 3 of the submissions do not count toward it. Last evaluated 2025-08-18.

Conditions:
KCNA2-related disorder. Also called: KCNA2-related condition.
Complex neurodevelopmental disorder. Identifiers: Orphanet 528084, MedGen C5568766, MONDO:0100038.
Inborn genetic diseases. Identifiers: MedGen C0950123, MeSH D030342.
Developmental and epileptic encephalopathy, 32 (DEE32). Also called: Epileptic encephalopathy, early infantile, 32. Identifiers: Orphanet 442835, MedGen C4225350, MONDO:0014607, OMIM 616366.

Submissions 1 to 12 of 21:

Variantyx, Inc.
Classification: Pathogenic for Developmental and epileptic encephalopathy, 32. Last evaluated: 2025-08-18. Review status: criteria provided, single submitter. Criteria: Variantyx Assertion Criteria 2022. Collection method: clinical testing. Allele origin: de novo. Inheritance: Autosomal dominant inheritance. Affected: yes.
Comment: This is a nonsynonymous variant in the KCNA2 gene (OMIM: 176262). Pathogenic variants in this gene have been associated with autosomal dominant developmental and epileptic encephalopathy 32. It \ has been reported in at least two affected individuals (PMID: 27543892) (PS4) and observed to segregate with disease in at least three individuals from one family (PMID: 27543892) (PP1). Functional studies have shown that this variant alters KCNA2 protein function (PMID: 27543892, 28032718) (PS3) and multiple computational algorithms predict a deleterious effect for this variant (REVEL score: 0.949) (PP3). This variant is absent from control populations (PM2). Based on the current evidence, this variant is classified as pathogenic for autosomal dominant developmental and epileptic encephalopathy 32.This variant was reported by previous genetic testing.

Institute of Human Genetics, University of Leipzig Medical Center
Classification: Pathogenic for Developmental and epileptic encephalopathy, 32. Last evaluated: 2025-04-08. Review status: criteria provided, single submitter. Criteria: ACMG Guidelines, 2015. Collection method: clinical testing. Allele origin: unknown. Inheritance: Autosomal dominant inheritance. Affected: yes.
Comment: Criteria applied: PS2,PS4_MOD,PM2,PS3_SUP,PP2,PP3

3billion
Classification: Pathogenic for KCNA2-related disorder. Last evaluated: 2025-04-01. Review status: criteria provided, single submitter. Criteria: ACMG Guidelines, 2015. Collection method: clinical testing. Allele origin: germline. Affected: yes.
Comment: The variant is not observed in the gnomAD v4.1.0 dataset. Predicted Consequence/Location: Missense variant. Missense changes are a common disease-causing mechanism. Functional studies provide moderate evidence of the variant having a damaging effect on the gene or gene product (PMID: 27543892). In silico tool predictions suggest damaging effect of the variant on gene or gene product [REVEL: 0.95 (>=0.6, sensitivity 0.68 and specificity 0.92); 3Cnet: 0.98 (> 0.75, sensitivity 0.96 and precision 0.92)]. The same nucleotide change resulting in the same amino acid change has been previously reported as pathogenic/likely pathogenic with strong evidence (ClinVar ID: VCV000280584 / PMID: 27543892). A different missense change at the same codon (p.Arg294Pro) has been reported to be associated with KCNA2-related disorder (ClinVar ID: VCV002109320). Therefore, this variant is classified as Pathogenic according to the recommendation of ACMG/AMP guideline.

Labcorp Genetics (formerly Invitae), Labcorp
Classification: Pathogenic for Developmental and epileptic encephalopathy, 32. Last evaluated: 2025-03-29. Review status: criteria provided, single submitter. Criteria: Invitae Variant Classification Sherloc (09022015). Collection method: clinical testing. Allele origin: germline.
Comment: This sequence change replaces arginine, which is basic and polar, with histidine, which is basic and polar, at codon 294 of the KCNA2 protein (p.Arg294His). This variant is not present in population databases (gnomAD no frequency). This missense change has been observed in individual(s) with autosomal dominant spastic paraplegia, ataxia, intellectual disability and/or epilepsy (PMID: 27543892, 28032718, 33802230). In at least one individual the variant was observed to be de novo. It has also been observed to segregate with disease in related individuals. ClinVar contains an entry for this variant (Variation ID: 280584). Invitae Evidence Modeling of protein sequence and biophysical properties (such as structural, functional, and spatial information, amino acid conservation, physicochemical variation, residue mobility, and thermodynamic stability) indicates that this missense variant is expected to disrupt KCNA2 protein function with a positive predictive value of 95%. Experimental studies have shown that this missense change affects KCNA2 function (PMID: 27543892, 28032718). For these reasons, this variant has been classified as Pathogenic.

Laboratory of Genetics, Children's Clinical University Hospital Latvia
Classification: Pathogenic. Last evaluated: 2025-02-16. Review status: criteria provided, single submitter. Criteria: ACMG Guidelines, 2015. Collection method: clinical testing. Allele origin: germline. Affected: yes.

Molecular Genetics, Royal Melbourne Hospital
Classification: Pathogenic for Complex neurodevelopmental disorder. Last evaluated: 2024-09-08. Review status: criteria provided, single submitter. Criteria: ACMG Guidelines, 2015. Collection method: clinical testing. Allele origin: germline. Inheritance: Autosomal dominant inheritance. Affected: yes.
Comment: This sequence change in KCNA2 is predicted to replace arginine with histidine at codon 294, p.(Arg294His). The arginine residue is highly conserved (100 vertebrates, Multiz Alignments), and is the first arginine residue in the voltage-sensing S4 segment of the ion transport domain, critical for channel functional (PMID: 28032718, 20869590, 18504314). There is a small physicochemical difference between arginine and histidine. This variant is absent from the population database gnomAD v4.1. This variant has been reported in multiple individuals with variable complex neurological phenotypes mainly including ataxia, hereditary spastic paraplegia, intellectual disability, and epilepsy, and segregates with disease in multiple families (PMID: 27543892, 28032718, 33802230, 34445196, 39048885; ClinVar: SCV001446499.1, SCV001827221.1, SCV001934289.3). This includes at least one de novo occurrence with confirmed parental relationships and two de novo occurrences with unconfirmed parental relationships (PMID: 27543892, 28032718; ClinVar: SCV001827221.1). Patch clamp assays in Xenopus laevis oocytes (without appropriate controls) suggest the variant results in loss of function with a dominant-negative effect (PMID: 28032718, 27543892). Computational evidence predicts a deleterious effect for the missense substitution (REVEL = 0.95) and predicts no impact on splicing (SpliceAI) for the nucleotide change. Based on the classification scheme RMH Modified ACMG/AMP Guidelines v1.7.0, this variant is classified as PATHOGENIC. Following criteria are met: PS2/PM6_Strong, PM1, PP1_Moderate, PP3_Moderate, PS4_Moderate, PM2_Supporting.

Mayo Clinic Laboratories, Mayo Clinic
Classification: Pathogenic. Last evaluated: 2024-05-24. Review status: criteria provided, single submitter. Criteria: ACMG Guidelines, 2015. Collection method: clinical testing. Allele origin: germline. Observed: 1 variant allele.
Comment: PP1_moderate, PP2, PP3, PM1, PM2, PM6, PS3

Department of Human Genetics, Hannover Medical School
Classification: Pathogenic for Developmental and epileptic encephalopathy, 32. Last evaluated: 2024-04-26. Review status: criteria provided, single submitter. Criteria: ACMG Guidelines, 2015. Collection method: clinical testing. Allele origin: germline. Affected: yes.

CeGaT Center for Human Genetics Tuebingen
Classification: Pathogenic. Last evaluated: 2024-03-01. Review status: criteria provided, single submitter. Criteria: CeGaT Center For Human Genetics Tuebingen Variant Classification Criteria Version 2. Collection method: clinical testing. Allele origin: germline. Affected: yes. Observed: 4 variant alleles.
Comment: KCNA2: PS4, PM2, PM6, PP2, PP3, PS3:Supporting

Institute of Human Genetics Munich, TUM University Hospital
Classification: Pathogenic for Developmental and epileptic encephalopathy, 32. Last evaluated: 2023-12-01. Review status: criteria provided, single submitter. Criteria: Classification criteria August 2017. Collection method: clinical testing. Allele origin: germline. Inheritance: Autosomal dominant inheritance. Affected: yes. Observed: 1 variant allele.

Clinical Genetics Laboratory, Skane University Hospital Lund
Classification: Pathogenic. Last evaluated: 2023-02-07. Review status: criteria provided, single submitter. Criteria: ACMG Guidelines, 2015. Collection method: clinical testing. Allele origin: germline. Affected: yes.

GeneDx
Classification: Pathogenic. Last evaluated: 2022-02-03. Review status: criteria provided, single submitter. Criteria: GeneDx Variant Classification Process June 2021. Collection method: clinical testing. Allele origin: germline. Affected: yes.
Comment: Published functional studies demonstrate a damaging effect: significantly reduced current amplitudes in X. laevis oocytes, with a dominant-negative effect observed when co-expressed with wild type (Helgib et al., 2016; Manole et al., 2017); In silico analysis supports that this missense variant has a deleterious effect on protein structure/function; Not observed at significant frequency in large population cohorts (gnomAD); This variant is associated with the following publications: (PMID: 27543892, 28032718, 27513193, 33802230, 34445196)